The following is an entry in ClinVar:

ClinVar aggregate classification (germline): Uncertain significance (1 of 4 stars; one submission).

Conditions:
Fanconi anemia (FA). Also called: Fanconi's anemia. Identifiers: Orphanet 84, MedGen C0015625, MeSH D005199, MONDO:0019391.

Submission:

Labcorp Genetics (formerly Invitae), Labcorp
Classification: Uncertain significance for Fanconi anemia. Last evaluated: 2021-10-28. Review status: criteria provided, single submitter. Criteria: Invitae Variant Classification Sherloc (09022015). Collection method: clinical testing. Allele origin: germline.
Comment: In summary, the available evidence is currently insufficient to determine the role of this variant in disease. Therefore, it has been classified as a Variant of Uncertain Significance. Algorithms developed to predict the effect of missense changes on protein structure and function (SIFT, PolyPhen-2, Align-GVGD) all suggest that this variant is likely to be disruptive. This variant has not been reported in the literature in individuals affected with FANCB-related conditions. This variant is not present in population databases (gnomAD no frequency). This sequence change replaces glycine, which is neutral and non-polar, with arginine, which is basic and polar, at codon 337 of the FANCB protein (p.Gly337Arg).

NM_001018113.3(FANCB):c.1009G>A (p.Gly337Arg)

Gene: FANCB (FA complementation group B; minus strand). Cytogenetic location: Xp22.2.
Variant type: single nucleotide variant.
Coding change: c.1009G>A on transcript NM_001018113.3 (MANE Select); coding-DNA position 1009, G replaced by A.
Protein change: p.Gly337Arg; replaces glycine 337 with arginine.
Molecular consequence: missense variant.
Genome position (GRCh38, 1-based): chrX:14,859,277, C>T on the plus strand (G>A on the coding strand, the complement: FANCB is on the minus strand). VCF-style: chrX-14859277-C-T. GRCh37 (hg19) VCF-style: chrX-14877399-C-T.
Other names: c.1009G>A, p.Gly337Arg (NM_001324162.2, NM_152633.4); short protein forms G337R.
Identifiers: ClinVar variation 1478687 (VCV001478687.6), dbSNP rs2147429068, ClinGen allele CA412443196.